The following is an entry in ClinVar:

NM_004656.4(BAP1):c.1582T>G (p.Ser528Ala)

Gene: BAP1 (BRCA1 associated deubiquitinase 1; minus strand). Cytogenetic location: 3p21.1.
Variant type: single nucleotide variant.
Coding change: c.1582T>G on transcript NM_004656.4 (MANE Select); coding-DNA position 1582, T replaced by G.
Protein change: p.Ser528Ala; replaces serine 528 with alanine.
Molecular consequence: missense variant.
Genome position (GRCh38, 1-based): chr3:52,403,563, A>C on the plus strand (T>G on the coding strand, the complement: BAP1 is on the minus strand). VCF-style: chr3-52403563-A-C. GRCh37 (hg19) VCF-style: chr3-52437579-A-C.
Other names: c.1582T>G (NM_004656.2); short protein forms S528A.
Identifiers: ClinVar variation 1014262 (VCV001014262.6), dbSNP rs201812308, ClinGen allele CA2436772.

ClinVar aggregate classification (germline): Uncertain significance. Review status: criteria provided, multiple submitters, no conflicts (2 of 4 stars). 2 submissions from 2 submitters: Uncertain significance (2). Last evaluated 2024-11-12.

Conditions:
Hereditary cancer-predisposing syndrome. Also called: Hereditary Cancer Syndrome; Tumor predisposition; Neoplastic Syndromes, Hereditary; Hereditary neoplastic syndrome. Identifiers: Orphanet 140162, MedGen C0027672, MeSH D009386, MONDO:0015356.
BAP1-related tumor predisposition syndrome (TPDS1). Also called: BAP1 tumor predisposition syndrome; Tumor susceptibility linked to germline BAP1 mutations; TUMOR PREDISPOSITION SYNDROME 1; COMMON Syndrome. Identifiers: Orphanet 289539, MedGen C3280492, MONDO:0013692, OMIM 614327.

Allele frequency attached by ClinVar (database versions not stated): gnomAD exomes below 0.00001; ExAC 0.00001; gnomAD 0.00001; 1000 Genomes Project 30x 0.00016; 1000 Genomes Project 0.00020.
gnomAD v4.1: 1 of 1,614,030 alleles (0.000062%); highest among the groups gnomAD compares: East Asian, 0.0022%; no homozygotes.

Submissions (2):

Ambry Genetics
Classification: Uncertain significance for Hereditary cancer-predisposing syndrome. Last evaluated: 2024-11-12. Review status: criteria provided, single submitter. Criteria: Ambry Variant Classification Scheme 2023. Collection method: clinical testing. Allele origin: germline.
Comment: The p.S528A variant (also known as c.1582T>G), located in coding exon 13 of the BAP1 gene, results from a T to G substitution at nucleotide position 1582. The serine at codon 528 is replaced by alanine, an amino acid with similar properties. This amino acid position is conserved. In addition, this alteration is predicted to be tolerated by in silico analysis. Based on the available evidence, the clinical significance of this variant remains unclear.

Labcorp Genetics (formerly Invitae), Labcorp
Classification: Uncertain significance for BAP1-related tumor predisposition syndrome. Last evaluated: 2020-02-12. Review status: criteria provided, single submitter. Criteria: Invitae Variant Classification Sherloc (09022015). Collection method: clinical testing. Allele origin: germline.
Comment: This variant has not been reported in the literature in individuals with BAP1-related conditions. Algorithms developed to predict the effect of missense changes on protein structure and function are either unavailable or do not agree on the potential impact of this missense change (SIFT: "Deleterious"; PolyPhen-2: "Benign"; Align-GVGD: "Class C0"). In summary, the available evidence is currently insufficient to determine the role of this variant in disease. Therefore, it has been classified as a Variant of Uncertain Significance. This variant is present in population databases (rs201812308, ExAC 0.01%). This sequence change replaces serine with alanine at codon 528 of the BAP1 protein (p.Ser528Ala). The serine residue is highly conserved and there is a moderate physicochemical difference between serine and alanine.